The following is an entry in ClinVar:

ClinVar aggregate classification (germline): Uncertain significance (1 of 4 stars; one submission).

Conditions:
Autosomal recessive limb-girdle muscular dystrophy type 2F (LGMDR6). Also called: MUSCULAR DYSTROPHY, LIMB-GIRDLE, AUTOSOMAL RECESSIVE 6; Muscular dystrophy limb-girdle with delta-sarcoglyan deficiency. Identifiers: Orphanet 219, MedGen C1832525, MONDO:0011028, OMIM 601287. Disease mechanism: Affects gamma-sarcoglycan and also disrupts the integrity of the entire sarcoglycan complex..

Submission:

Myriad Genetics, Inc.
Classification: Uncertain significance for Autosomal recessive limb-girdle muscular dystrophy type 2F. Last evaluated: 2025-11-20. Review status: criteria provided, single submitter. Criteria: Myriad Autosomal Dominant, Autosomal Recessive and X-Linked Classification Criteria (2023). Collection method: clinical testing. Allele origin: unknown.
Comment: NM_000337.5(SGCD):c.-44+1G>T is a 5' non-coding variant classified as a variant of uncertain significance in the context of delta-sarcoglycanopathy. c.-44+1G>T has not been observed in cases with relevant disease. Relevant functional assessments of this variant are not available in the literature. c.-44+1G>T has not been observed in referenced population frequency databases. In summary, there is insufficient evidence to classify NM_000337.5(SGCD):c.-44+1G>T as pathogenic or benign. Please note: this variant was assessed in the context of healthy population screening.

NM_000337.6(SGCD):c.-44+1G>T

Gene: SGCD (sarcoglycan delta; plus strand). Cytogenetic location: 5q33.3.
Variant type: single nucleotide variant.
Coding change: c.-44+1G>T on transcript NM_000337.6 (MANE Select); the canonical splice donor site of the intron after 44 bases upstream of the start codon, G replaced by T.
Molecular consequence: splice donor variant.
Genome position (GRCh38, 1-based): chr5:156,327,233, G>T. VCF-style: chr5-156327233-G-T. GRCh37 (hg19) VCF-style: chr5-155754243-G-T.
Other names: c.-1+1G>T (NM_001128209.2); c.-44+1G>T (NM_172244.3).
Identifiers: ClinVar variation 5003683 (VCV005003683.1).